The following is an entry in ClinVar:

ClinVar aggregate classification (germline): Pathogenic. Review status: criteria provided, multiple submitters, no conflicts (2 of 4 stars). 2 submissions from 2 submitters: Pathogenic (2). Last evaluated 2024-05-08.

Conditions:
USH2A-related disorder. Also called: USH2A-related condition; USH2A-related disorders. Identifiers: MedGen CN239332.

Submissions (2):

Myriad Genetics, Inc.
Classification: Pathogenic for USH2A-related disorder. Last evaluated: 2024-05-08. Review status: criteria provided, single submitter. Criteria: Myriad Autosomal Dominant, Autosomal Recessive and X-Linked Classification Criteria (2023). Collection method: clinical testing. Allele origin: unknown.
Comment: NM_206933.2(USH2A):c.11867C>G(S3956*) is expected to be pathogenic in the context of USH2A-related disorders. This variant is predicted to lead to an abnormal or absent protein product due to the creation of a premature termination codon in USH2A, a gene where loss-of-function variants are known to be pathogenic. Please note: this variant was assessed in the context of healthy population screening.

Labcorp Genetics (formerly Invitae), Labcorp
Classification: Pathogenic. Last evaluated: 2019-05-30. Review status: criteria provided, single submitter. Criteria: Invitae Variant Classification Sherloc (09022015). Collection method: clinical testing. Allele origin: germline.
Comment: This variant has not been reported in the literature in individuals with USH2A-related conditions. For these reasons, this variant has been classified as Pathogenic. Loss-of-function variants in USH2A are known to be pathogenic (PMID: 10729113, 10909849, 20507924, 25649381). This variant is not present in population databases (ExAC no frequency). This sequence change creates a premature translational stop signal (p.Ser3956*) in the USH2A gene. It is expected to result in an absent or disrupted protein product.

Literature cited by the submitters: PubMed 10729113 (cited by Labcorp Genetics (formerly Invitae), Labcorp); PubMed 10909849 (cited by Labcorp Genetics (formerly Invitae), Labcorp); PubMed 20507924 (cited by Labcorp Genetics (formerly Invitae), Labcorp); PubMed 25649381 (cited by Labcorp Genetics (formerly Invitae), Labcorp).

NM_206933.4(USH2A):c.11867C>G (p.Ser3956Ter)

Gene: USH2A (usherin; minus strand). Cytogenetic location: 1q41.
Variant type: single nucleotide variant.
Coding change: c.11867C>G on transcript NM_206933.4 (MANE Select); coding-DNA position 11867, C replaced by G.
Protein change: p.Ser3956Ter; replaces serine 3956 with a stop codon.
Molecular consequence: nonsense.
Genome position (GRCh38, 1-based): chr1:215,728,229, G>C on the plus strand (C>G on the coding strand, the complement: USH2A is on the minus strand). VCF-style: chr1-215728229-G-C. GRCh37 (hg19) VCF-style: chr1-215901571-G-C.
Other names: short protein forms S3956*.
Identifiers: ClinVar variation 935106 (VCV000935106.8), dbSNP rs754104931, ClinGen allele CA37395391.